The following is an entry in ClinVar:

NM_170606.3(KMT2C):c.4316A>G (p.Asn1439Ser)

Gene: KMT2C (lysine methyltransferase 2C; minus strand). Cytogenetic location: 7q36.1.
Variant type: single nucleotide variant.
Coding change: c.4316A>G on transcript NM_170606.3 (MANE Select); coding-DNA position 4316, A replaced by G.
Protein change: p.Asn1439Ser; replaces asparagine 1439 with serine.
Molecular consequence: missense variant.
Genome position (GRCh38, 1-based): chr7:152,195,969, T>C on the plus strand (A>G on the coding strand, the complement: KMT2C is on the minus strand). VCF-style: chr7-152195969-T-C. GRCh37 (hg19) VCF-style: chr7-151893054-T-C.
Other names: short protein forms N1439S.
Identifiers: ClinVar variation 2579349 (VCV002579349.1), dbSNP rs2093949579, ClinGen allele CA370106357.

ClinVar aggregate classification (germline): Uncertain significance (1 of 4 stars; one submission).

Allele frequency attached by ClinVar (database versions not stated): gnomAD exomes below 0.00001; gnomAD 0.00001; TOPMed 0.00001.
gnomAD v4.1: 2 of 1,610,564 alleles (0.00012%); highest among the groups gnomAD compares: African/African-American, 0.0027%; no homozygotes.

Submission:

GeneDx
Classification: Uncertain significance. Last evaluated: 2023-03-10. Review status: criteria provided, single submitter. Criteria: GeneDx Variant Classification Process June 2021. Collection method: clinical testing. Allele origin: germline. Affected: yes.
Comment: Not observed at significant frequency in large population cohorts (gnomAD); In silico analysis supports that this missense variant does not alter protein structure/function; Has not been previously published as pathogenic or benign to our knowledge